The following is an entry in ClinVar:

NM_001165963.4(SCN1A):c.1199T>A (p.Met400Lys)

Gene: SCN1A (sodium voltage-gated channel alpha subunit 1; minus strand). Cytogenetic location: 2q24.3.
Variant type: single nucleotide variant.
Coding change: c.1199T>A on transcript NM_001165963.4 (MANE Select); coding-DNA position 1199, T replaced by A.
Protein change: p.Met400Lys; replaces methionine 400 with lysine.
Molecular consequence: missense variant. On other transcripts: 5 prime UTR variant (1), non-coding transcript variant (1).
Genome position (GRCh38, 1-based): chr2:166,046,948, A>T on the plus strand (T>A on the coding strand, the complement: SCN1A is on the minus strand). VCF-style: chr2-166046948-A-T. GRCh37 (hg19) VCF-style: chr2-166903458-A-T.
Other names: c.1199T>A, p.Met400Lys (NM_001165964.3, NM_001202435.3, NM_001353948.2 and 10 more transcripts); c.-1227T>A (NM_001353961.2); short protein forms M400K.
Identifiers: ClinVar variation 189880 (VCV000189880.1), dbSNP rs794726725, ClinGen allele CA303192.
Genomic context (GRCh38, chr2:166,046,948, plus strand): 5'-GCCAGGATCAAATTTATTAGGTAGAATGAGCCCAAGAAAATGACCAATACAAAAAATATC[A>T]TGTACGTTTTCCCAGCAGCACGTAATGTCTGCAAACAAAAATATCAGAATTATTTCTCAA-3'
Protein context (NP_001159435.1, residues 390-410): LTLRAAGKTY[Met400Lys]IFFVLVIFLG

ClinVar aggregate classification (germline): Pathogenic (1 of 4 stars; one submission).

Conditions:
Severe myoclonic epilepsy in infancy (DRVT). Also called: Epileptic encephalopathy, early infantile, 6 (Dravet syndrome); SEVERE MYOCLONIC EPILEPSY OF INFANCY; DEVELOPMENTAL AND EPILEPTIC ENCEPHALOPATHY 6A; Severe Myoclonic Epilepsy in Infancy (SMEI); Dravet syndrome. Identifiers: Orphanet 33069, MedGen C0751122, MONDO:0100135, OMIM 607208.

Submission:

Center for Bioinformatics, Peking University
Classification: Pathogenic for Dravet syndrome. Last evaluated: 2014-12-20. Review status: criteria provided, single submitter. Criteria: Xu et al. (Hum Mutat. 2015). Collection method: research. Allele origin: de novo. Affected: yes. Observed: 1 variant allele. Study: University Clinical Cooperation “985 Project” PKU-2014-1-1.
Comment: Dravet syndrome (DS) probands were recruited from the outpatient and inpatient child neurology units of Peking University First Hospital from 2005 till present. The study was approved by the Ethics Committee of Peking University First Hospital and the Institutional Review Board at Peking University. Participants or their parents provided written informed consent before enrollment. We collected a total of 267 mutations from 255 families with probands diagnosed with DS in China. All probands fulfilled the clinical diagnostic criteria.